The following is an entry in ClinVar:

NM_000180.4(GUCY2D):c.2916del (p.Val973fs)

Gene: GUCY2D (guanylate cyclase 2D, retinal; plus strand). Cytogenetic location: 17p13.1.
Variant type: Deletion.
Coding change: c.2916del on transcript NM_000180.4 (MANE Select); coding-DNA position 2916, one base deleted (C; older notation c.2916delC).
Protein change: p.Val973fs; shifts the reading frame from valine 973.
Molecular consequence: frameshift variant.
Genome position (GRCh38, 1-based): chr17:8,015,474, C deleted; the last of 3 consecutive C bases (chr17:8,015,472-8,015,474); deleting any one gives the same sequence. VCF-style (leftmost placement, unchanged base first): chr17-8015471-TC-T. GRCh37 (hg19) VCF-style: chr17-7918789-TC-T.
Other names: short protein forms V973fs.
Identifiers: ClinVar variation 4785273 (VCV004785273.1).

ClinVar aggregate classification (germline): Pathogenic (1 of 4 stars; one submission).

Conditions:
Leber congenital amaurosis 1 (LCA1). Also called: RETINAL BLINDNESS, CONGENITAL; Congenital absence of the rods and cones; Leber's congenital tapetoretinal degeneration; Leber's congenital tapetoretinal dysplasia; AMAUROSIS CONGENITA OF LEBER I. Identifiers: Orphanet 65, MedGen C2931258, MONDO:0008764, OMIM 204000.
Cone-rod dystrophy 6 (CORD6). Also called: RETINAL CONE DYSTROPHY 2; Cone dystrophy progressive. Identifiers: Orphanet 1872, MedGen C1866293, MONDO:0011143, OMIM 601777.

Submission:

Labcorp Genetics (formerly Invitae), Labcorp
Classification: Pathogenic for Leber congenital amaurosis 1; Cone-rod dystrophy 6. Last evaluated: 2025-06-11. Review status: criteria provided, single submitter. Criteria: Invitae Variant Classification Sherloc (09022015). Collection method: clinical testing. Allele origin: germline.
Comment: This sequence change creates a premature translational stop signal (p.Val973Cysfs*5) in the GUCY2D gene. It is expected to result in an absent or disrupted protein product. Loss-of-function variants in GUCY2D are known to be pathogenic (PMID: 10951519, 11328726). This variant is not present in population databases (gnomAD no frequency). This variant has not been reported in the literature in individuals affected with GUCY2D-related conditions. Algorithms developed to predict the effect of sequence changes on RNA splicing suggest that this variant may disrupt the consensus splice site. For these reasons, this variant has been classified as Pathogenic.

Literature cited by the submitters: PubMed 10951519; PubMed 11328726.